The following is an entry in ClinVar:

ClinVar aggregate classification (germline): Uncertain significance (1 of 4 stars; one submission).

Allele frequency attached by ClinVar (database versions not stated): gnomAD exomes below 0.00001; ExAC 0.00001; gnomAD 0.00001.
gnomAD v4.1: 1 of 1,355,184 alleles (0.000074%); highest among the groups gnomAD compares: Non-Finnish European, 0.00011%; no homozygotes.

Submission:

GeneDx
Classification: Uncertain significance. Last evaluated: 2022-07-07. Review status: criteria provided, single submitter. Criteria: GeneDx Variant Classification Process June 2021. Collection method: clinical testing. Allele origin: germline. Affected: yes.
Comment: Not observed at significant frequency in large population cohorts (gnomAD); Nonsense variant predicted to result in protein truncation or nonsense mediated decay in a gene or region of a gene for which loss of function is not a well-established mechanism of disease; Has not been previously published as pathogenic or benign to our knowledge

NM_001035.3(RYR2):c.10319C>G (p.Ser3440Ter)

Gene: RYR2 (ryanodine receptor 2; plus strand). Cytogenetic location: 1q43.
Variant type: single nucleotide variant.
Coding change: c.10319C>G on transcript NM_001035.3 (MANE Select); coding-DNA position 10319, C replaced by G.
Protein change: p.Ser3440Ter; replaces serine 3440 with a stop codon.
Molecular consequence: nonsense.
Genome position (GRCh38, 1-based): chr1:237,711,833, C>G. VCF-style: chr1-237711833-C-G. GRCh37 (hg19) VCF-style: chr1-237875133-C-G.
Other names: short protein forms S3440*.
Identifiers: ClinVar variation 1698076 (VCV001698076.2), dbSNP rs760142218, ClinGen allele CA084266.
Genomic context (GRCh38, chr1:237,711,833, plus strand): 5'-TTGTACAGAATGAAATCAACAATATGTCTTTCCTTATTACTGATACCAAGTCAAAGATGT[C>G]AAAGGTATTACTATAAACTGTTTCACTGTTCTGGAAAATATCTGAATGTGACTTTCATGA-3'